The following is an entry in ClinVar:

ClinVar aggregate classification (germline): Uncertain significance (1 of 4 stars; one submission).

Conditions:
Frontotemporal dementia and/or amyotrophic lateral sclerosis 4. Also called: FTDALS4. Identifiers: Orphanet 275872, MedGen C4225325, MONDO:0014641, OMIM 616439.

Submission:

Labcorp Genetics (formerly Invitae), Labcorp
Classification: Uncertain significance for Frontotemporal dementia and/or amyotrophic lateral sclerosis 4. Last evaluated: 2023-06-06. Review status: criteria provided, single submitter. Criteria: Invitae Variant Classification Sherloc (09022015). Collection method: clinical testing. Allele origin: germline.
Comment: In summary, the available evidence is currently insufficient to determine the role of this variant in disease. Therefore, it has been classified as a Variant of Uncertain Significance. Advanced modeling of protein sequence and biophysical properties (such as structural, functional, and spatial information, amino acid conservation, physicochemical variation, residue mobility, and thermodynamic stability) performed at Invitae indicates that this missense variant is not expected to disrupt TBK1 protein function. This variant has not been reported in the literature in individuals affected with TBK1-related conditions. This variant is not present in population databases (gnomAD no frequency). This sequence change replaces alanine, which is neutral and non-polar, with glutamic acid, which is acidic and polar, at codon 214 of the TBK1 protein (p.Ala214Glu).

NM_013254.4(TBK1):c.641C>A (p.Ala214Glu)

Gene: TBK1 (TANK binding kinase 1; plus strand). Cytogenetic location: 12q14.2.
Variant type: single nucleotide variant.
Coding change: c.641C>A on transcript NM_013254.4 (MANE Select); coding-DNA position 641, C replaced by A.
Protein change: p.Ala214Glu; replaces alanine 214 with glutamic acid.
Molecular consequence: missense variant.
Genome position (GRCh38, 1-based): chr12:64,474,330, C>A. VCF-style: chr12-64474330-C-A. GRCh37 (hg19) VCF-style: chr12-64868110-C-A.
Other names: short protein forms A214E.
Identifiers: ClinVar variation 2693106 (VCV002693106.3), dbSNP rs764464788, ClinGen allele CA385597717.
Genomic context (GRCh38, chr12:64,474,330, plus strand): 5'-ATCAGAAGAAATATGGAGCAACAGTTGATCTTTGGAGCATTGGGGTAACATTTTACCATG[C>A]AGCTACTGGATCACTGCCATTTAGACCCTTTGAAGGGCCTCGTAGGAATAAAGAAGTGAT-3'
Protein context (NP_037386.1, residues 204-224): LWSIGVTFYH[Ala214Glu]ATGSLPFRPF